The following is an entry in ClinVar:

NM_001382273.1(TNK2):c.1945G>A (p.Ala649Thr)

Gene: TNK2 (tyrosine kinase non receptor 2; minus strand). Cytogenetic location: 3q29.
Variant type: single nucleotide variant.
Coding change: c.1945G>A on transcript NM_001382273.1 (MANE Select); coding-DNA position 1945, G replaced by A.
Protein change: p.Ala649Thr; replaces alanine 649 with threonine.
Molecular consequence: missense variant. On other transcripts: non-coding transcript variant (15).
Genome position (GRCh38, 1-based): chr3:195,868,353, C>T on the plus strand (G>A on the coding strand, the complement: TNK2 is on the minus strand). VCF-style: chr3-195868353-C-T. GRCh37 (hg19) VCF-style: chr3-195595224-C-T.
Other names: c.2017G>A, p.Ala673Thr (NM_001010938.2, NM_001382272.1); c.1996G>A, p.Ala666Thr (NM_001308046.2, NM_001382271.1); c.1945G>A, p.Ala649Thr (NM_001382274.1, NM_001387716.1, NM_001387717.1 and 1 more transcripts); c.2041G>A, p.Ala681Thr (NM_001382275.1, NM_001387707.1); c.1900G>A, p.Ala634Thr (NM_001386164.1, NM_001387709.1, NM_001387710.1 and 8 more transcripts); c.1972G>A, p.Ala658Thr (NM_001387708.1, NM_001387715.1); short protein forms A634T, A681T, A666T, A649T, A658T, A673T.
Identifiers: ClinVar variation 1423271 (VCV001423271.6), dbSNP rs199549073, ClinGen allele CA2776131.

ClinVar aggregate classification (germline): Uncertain significance (1 of 4 stars; one submission).

Allele frequency attached by ClinVar (database versions not stated): gnomAD 0.00012 and 0.00020; TOPMed 0.00023; ESP Exome Variant Server 0.00024; gnomAD exomes 0.00028 and 0.00040; ExAC 0.00057; 1000 Genomes Project 30x 0.00062; 1000 Genomes Project 0.00080.
gnomAD v4.1: 451 of 1,583,076 alleles (0.028%); highest among the groups gnomAD compares: East Asian, 0.3%; 2 homozygotes.

Submission:

Labcorp Genetics (formerly Invitae), Labcorp
Classification: Uncertain significance. Last evaluated: 2024-11-30. Review status: criteria provided, single submitter. Criteria: Invitae Variant Classification Sherloc (09022015). Collection method: clinical testing. Allele origin: germline.
Comment: This sequence change replaces alanine, which is neutral and non-polar, with threonine, which is neutral and polar, at codon 712 of the TNK2 protein (p.Ala712Thr). This variant is present in population databases (rs199549073, gnomAD 0.1%), and has an allele count higher than expected for a pathogenic variant. This variant has not been reported in the literature in individuals affected with TNK2-related conditions. ClinVar contains an entry for this variant (Variation ID: 1423271). An algorithm developed to predict the effect of missense changes on protein structure and function outputs the following: PolyPhen-2: "Benign". The threonine amino acid residue is found in multiple mammalian species, which suggests that this missense change does not adversely affect protein function. In summary, the available evidence is currently insufficient to determine the role of this variant in disease. Therefore, it has been classified as a Variant of Uncertain Significance.